The following is an entry in ClinVar:

ClinVar aggregate classification (germline): Uncertain significance (1 of 4 stars; one submission).

gnomAD v4.1: 7 of 1,593,614 alleles (0.00044%); highest among the groups gnomAD compares: Non-Finnish European, 0.0006%; no homozygotes.

Submission:

GeneDx
Classification: Uncertain significance. Last evaluated: 2024-05-30. Review status: criteria provided, single submitter. Criteria: GeneDx Variant Classification Process June 2021. Collection method: clinical testing. Allele origin: germline. Affected: yes.
Comment: In silico analysis supports that this missense variant has a deleterious effect on protein structure/function; Missense variant in a gene in which most reported pathogenic variants are truncating/loss of function; Has not been previously published as pathogenic or benign to our knowledge

NM_015443.4(KANSL1):c.2818C>G (p.Pro940Ala)

Gene: KANSL1 (KAT8 regulatory NSL complex subunit 1). Cytogenetic location: 17q21.31.
Variant type: single nucleotide variant.
Coding change: c.2818C>G on transcript NM_015443.4 (MANE Select); coding-DNA position 2818, C replaced by G.
Protein change: p.Pro940Ala; replaces proline 940 with alanine.
Molecular consequence: missense variant.
Genome position (GRCh38, 1-based): chr17:46,033,099, G>C on the plus strand (C>G on the coding strand, the complement: KANSL1 is on the minus strand). VCF-style: chr17-46033099-G-C. GRCh37 (hg19) VCF-style: chr17-44110465-G-C.
Other names: c.2815C>G, p.Pro939Ala (NM_001193465.2, NM_001405856.1, NM_001405857.1 and 1 more transcripts); c.2818C>G, p.Pro940Ala (NM_001193466.2, NM_001379198.1, NM_001405854.1 and 4 more transcripts); c.2716C>G, p.Pro906Ala (NM_001405859.1, NM_001405860.1); c.2713C>G, p.Pro905Ala (NM_001405861.1, NM_001405881.1); c.2629C>G, p.Pro877Ala (NM_001405875.1, NM_001405876.1, NM_001405877.1 and 1 more transcripts); c.2626C>G, p.Pro876Ala (NM_001405879.1, NM_001405880.1); c.1552C>G, p.Pro518Ala (NM_001405882.1); c.1549C>G, p.Pro517Ala (NM_001405883.1); and 2 more; short protein forms P454A, P455A, P517A, P518A, P876A, P877A, P905A, P906A.
Identifiers: ClinVar variation 3383727 (VCV003383727.1).